The following is an entry in ClinVar:

ClinVar aggregate classification (germline): Likely benign. Review status: criteria provided, multiple submitters, no conflicts (2 of 4 stars). 6 submissions from 6 submitters: Likely benign (4). 2 of the submissions do not count toward it. Last evaluated 2024-11-22.

Conditions:
EPHB2-related disorder. Also called: EPHB2-related condition.
Prostate cancer/brain cancer susceptibility. Also called: PROSTATE CANCER, PROGRESSION AND METASTASIS OF, SOMATIC; PROSTATE CANCER, SUSCEPTIBILITY TO, IN AFRICAN AMERICANS, SOMATIC. Identifiers: Orphanet 1331, MedGen C1863600, MONDO:0011361, OMIM 603688.

Allele frequency attached by ClinVar (database versions not stated): 1000 Genomes Project 30x 0.00094; 1000 Genomes Project 0.00120; gnomAD 0.00287; ExAC 0.00342; TOPMed 0.00366; gnomAD exomes 0.00560.
gnomAD v4.1: 8,643 of 1,614,172 alleles (0.54%); highest among the groups gnomAD compares: Non-Finnish European, 0.66%; 34 homozygotes.

Submissions (6):

Blueprint Genetics
Classification: Likely benign. Last evaluated: 2024-11-22. Review status: criteria provided, single submitter. Criteria: ACMG Guidelines, 2015. Collection method: clinical testing. Allele origin: germline.

Labcorp Genetics (formerly Invitae), Labcorp
Classification: Likely benign. Last evaluated: 2019-12-31. Review status: criteria provided, single submitter. Criteria: Invitae Variant Classification Sherloc (09022015). Collection method: clinical testing. Allele origin: germline.

Institute of Human Genetics, University of Leipzig Medical Center
Classification: Likely benign for Prostate cancer/brain cancer susceptibility. Last evaluated: 2019-01-01. Review status: criteria provided, single submitter. Criteria: ACMG Guidelines, 2015. Collection method: clinical testing. Allele origin: unknown. Affected: no.

Breakthrough Genomics
Classification: Likely benign. Review status: criteria provided, single submitter. Criteria: ACMG Guidelines, 2015. Collection method: not provided. Allele origin: germline. Inheritance: Autosomal recessive inheritance. Affected: yes.

PreventionGenetics, part of Exact Sciences
Classification: Likely benign for EPHB2-related condition. Last evaluated: 2022-05-18. Review status: no assertion criteria provided. Collection method: clinical testing. Allele origin: germline. Not counted in ClinVar's aggregate classification.
Comment: This variant is classified as likely benign based on ACMG/AMP sequence variant interpretation guidelines (Richards et al. 2015 PMID: 25741868, with internal and published modifications).

OMIM
Classification: Pathogenic for PROSTATE CANCER, PROGRESSION AND METASTASIS OF, SOMATIC. Last evaluated: 2004-09-01. Review status: no assertion criteria provided. Collection method: literature only. Allele origin: somatic. Not counted in ClinVar's aggregate classification.

Literature cited by the submitters: PubMed 15300251 (cited by OMIM).

NM_017449.5(EPHB2):c.2032G>A (p.Asp678Asn)

Gene: EPHB2 (EPH receptor B2; plus strand). Cytogenetic location: 1p36.12.
Variant type: single nucleotide variant.
Coding change: c.2032G>A on transcript NM_017449.5 (MANE Select); coding-DNA position 2032, G replaced by A.
Protein change: p.Asp678Asn; replaces aspartic acid 678 with asparagine.
Molecular consequence: missense variant.
Genome position (GRCh38, 1-based): chr1:22,906,853, G>A. VCF-style: chr1-22906853-G-A. GRCh37 (hg19) VCF-style: chr1-23233346-G-A.
Other names: c.1858G>A, p.Asp620Asn (NM_001309192.2); c.2032G>A, p.Asp678Asn (NM_001309193.2); c.2035G>A, p.Asp679Asn (NM_004442.7); short protein forms D679N, D678N, D620N.
Identifiers: ClinVar variation 8534 (VCV000008534.10), dbSNP rs28936395, ClinGen allele CA119709.
Genomic context (GRCh38, chr1:22,906,853, plus strand): 5'-GGCTACACGGAGAAGCAGCGCCGGGACTTCCTGAGCGAAGCCTCCATCATGGGCCAGTTC[G>A]ACCATCCCAACGTCATCCACCTGGAGGGTGTCGTGACCAAGAGCACACCTGTGATGATCA-3'
Protein context (NP_059145.2, residues 668-688): LSEASIMGQF[Asp678Asn]HPNVIHLEGV